The following is an entry in ClinVar:

ClinVar aggregate classification (germline): Uncertain significance. Review status: criteria provided, multiple submitters, no conflicts (2 of 4 stars). 7 submissions from 7 submitters: Uncertain significance (7). Last evaluated 2025-08-27.

Conditions:
Hereditary cancer-predisposing syndrome. Also called: Neoplastic Syndromes, Hereditary; Tumor predisposition; Hereditary neoplastic syndrome; Hereditary Cancer Syndrome. Identifiers: Orphanet 140162, MedGen C0027672, MeSH D009386, MONDO:0015356.
Classic or attenuated familial adenomatous polyposis. Identifiers: MedGen CN372698, MONDO:0021057.
Familial adenomatous polyposis 1 (FAP1). Also called: POLYPOSIS, ADENOMATOUS INTESTINAL; FAMILIAL ADENOMATOUS POLYPOSIS 1, ATTENUATED. Identifiers: MedGen C2713442, MONDO:0021056, OMIM 175100. Disease mechanism: loss of function.

Allele frequency attached by ClinVar (database versions not stated): gnomAD 0.00001.
gnomAD v4.1: 8 of 1,613,922 alleles (0.0005%); highest among the groups gnomAD compares: Non-Finnish European, 0.00068%; no homozygotes.

Submissions (7):

Color Diagnostics, LLC DBA Color Health
Classification: Uncertain significance for Hereditary cancer-predisposing syndrome. Last evaluated: 2025-08-27. Review status: criteria provided, single submitter. Criteria: ACMG Guidelines, 2015. Collection method: clinical testing. Allele origin: germline.
Comment: This missense variant replaces lysine with glutamic acid at codon 2214 of the APC protein. Computational prediction suggests that this variant may not impact protein structure and function. APC is defined as a gene for which primarily truncating variants are known to cause disease (ClinGen HCCP VCEP). To our knowledge, functional studies have not been reported for this variant. This variant has not been reported in individuals affected with APC-related disorders in the literature. This variant has not been identified in the general population by the Genome Aggregation Database (gnomAD). The available evidence is insufficient to determine the role of this variant in disease conclusively. Therefore, this variant is classified as a Variant of Uncertain Significance.

Labcorp Genetics (formerly Invitae), Labcorp
Classification: Uncertain significance for Familial adenomatous polyposis 1. Last evaluated: 2025-07-21. Review status: criteria provided, single submitter. Criteria: Invitae Variant Classification Sherloc (09022015). Collection method: clinical testing. Allele origin: germline.
Comment: This sequence change replaces lysine, which is basic and polar, with glutamic acid, which is acidic and polar, at codon 2214 of the APC protein (p.Lys2214Glu). This variant is not present in population databases (gnomAD no frequency). This variant has not been reported in the literature in individuals affected with APC-related conditions. ClinVar contains an entry for this variant (Variation ID: 826527). Invitae Evidence Modeling of protein sequence and biophysical properties (such as structural, functional, and spatial information, amino acid conservation, physicochemical variation, residue mobility, and thermodynamic stability) indicates that this missense variant is not expected to disrupt APC protein function with a negative predictive value of 95%. In summary, the available evidence is currently insufficient to determine the role of this variant in disease. Therefore, it has been classified as a Variant of Uncertain Significance.

Ambry Genetics
Classification: Uncertain significance for Hereditary cancer-predisposing syndrome. Last evaluated: 2025-04-10. Review status: criteria provided, single submitter. Criteria: Ambry Variant Classification Scheme 2023. Collection method: clinical testing. Allele origin: germline.
Comment: The p.K2214E variant (also known as c.6640A>G), located in coding exon 15 of the APC gene, results from an A to G substitution at nucleotide position 6640. The lysine at codon 2214 is replaced by glutamic acid, an amino acid with similar properties. This amino acid position is well conserved in available vertebrate species. In addition, in silico predictors for this gene do not accurately predict pathogenicity. Since supporting evidence is limited at this time, the clinical significance of this alteration remains unclear.

Baylor Genetics
Classification: Uncertain significance for Familial adenomatous polyposis 1. Last evaluated: 2023-06-06. Review status: criteria provided, single submitter. Criteria: ACMG Guidelines, 2015. Collection method: clinical testing. Allele origin: unknown.

All of Us Research Program, National Institutes of Health
Classification: Uncertain significance for Classic or attenuated familial adenomatous polyposis. Last evaluated: 2023-05-04. Review status: criteria provided, single submitter. Criteria: ACMG Guidelines, 2015. Collection method: clinical testing. Allele origin: germline. Inheritance: Autosomal dominant inheritance. Observed: 1 variant allele, 1 heterozygote.
Comment: This missense variant replaces lysine with glutamic acid at codon 2214 of the APC protein. Computational prediction suggests that this variant may not impact protein structure and function (internally defined REVEL score threshold <= 0.5, PMID: 27666373). To our knowledge, functional studies have not been reported for this variant. This variant has not been reported in individuals affected with APC-related disorders in the literature. This variant has not been identified in the general population by the Genome Aggregation Database (gnomAD). The available evidence is insufficient to determine the role of this variant in disease conclusively. Therefore, this variant is classified as a Variant of Uncertain Significance.

This study involves interpretation of variants in research participants for the purpose of population health screening. Participant phenotype was not available at the time of variant classification. Additional details can be found in publication PMID: 35346344, PMCID: PMC8962531

Women's Health and Genetics/Laboratory Corporation of America, LabCorp
Classification: Uncertain significance. Last evaluated: 2023-02-10. Review status: criteria provided, single submitter. Criteria: LabCorp Variant Classification Summary - May 2015. Collection method: clinical testing. Allele origin: germline.

Sema4
Classification: Uncertain significance for Hereditary cancer-predisposing syndrome. Last evaluated: 2021-07-09. Review status: criteria provided, single submitter. Criteria: Sema4 Curation Guidelines. Collection method: curation. Allele origin: germline.
Comment: The APC c.6640A>G (p.K2214E) variant has not been reported in literature to our knowledge. This variant was not observed in the large and broad cohorts of the Genome Aggregation Database (PMID: 32461654). This variant has been reported in ClinVar (Variation ID 826527). This variant involves a highly conserved amino acid, and computational analyses do not provide strong support for or against an impact to the protein, though these predictions have not been confirmed by published functional studies. The overall evidence is insufficient to meet ACMG/AMP criteria for classifying it as benign or pathogenic. In summary, the clinical significance of this variant is currently uncertain.

NM_000038.6(APC):c.6640A>G (p.Lys2214Glu)

Gene: APC (APC regulator of Wnt signaling pathway; plus strand). Cytogenetic location: 5q22.2.
Variant type: single nucleotide variant.
Coding change: c.6640A>G on transcript NM_000038.6 (MANE Select); coding-DNA position 6640, A replaced by G.
Protein change: p.Lys2214Glu; replaces lysine 2214 with glutamic acid.
Molecular consequence: missense variant.
Genome position (GRCh38, 1-based): chr5:112,842,234, A>G. VCF-style: chr5-112842234-A-G. GRCh37 (hg19) VCF-style: chr5-112177931-A-G.
Other names: c.6586A>G, p.Lys2196Glu (NM_001127511.3); c.6640A>G, p.Lys2214Glu (NM_001354895.2, NM_001127510.3); c.6694A>G, p.Lys2232Glu (NM_001354896.2); c.6670A>G, p.Lys2224Glu (NM_001354897.2); c.6565A>G, p.Lys2189Glu (NM_001354898.2); c.6556A>G, p.Lys2186Glu (NM_001354899.2); c.6517A>G, p.Lys2173Glu (NM_001354900.2); c.6463A>G, p.Lys2155Glu (NM_001354901.2); and 5 more; short protein forms K2123E, K2155E, K2173E, K2189E, K1931E, K2224E, K2232E, K2088E.
Identifiers: ClinVar variation 826527 (VCV000826527.23), dbSNP rs1055951639, ClinGen allele CA16035855.